The following is an entry in ClinVar:

ClinVar aggregate classification (germline): Likely benign (1 of 4 stars; one submission).

gnomAD v4.1: 66 of 1,331,020 alleles (0.005%); highest among the groups gnomAD compares: South Asian, 0.028%; no homozygotes.

Submission:

CeGaT Center for Human Genetics Tuebingen
Classification: Likely benign. Last evaluated: 2025-03-01. Review status: criteria provided, single submitter. Criteria: CeGaT Center For Human Genetics Tuebingen Variant Classification Criteria Version 2. Collection method: clinical testing. Allele origin: germline. Affected: yes. Observed: 1 variant allele.
Comment: ZFHX3: BP4, BP7

NM_006885.4(ZFHX3):c.2346G>A (p.Ala782=)

Gene: ZFHX3 (zinc finger homeobox 3; minus strand). Cytogenetic location: 16q22.3.
Variant type: single nucleotide variant.
Coding change: c.2346G>A on transcript NM_006885.4 (MANE Select); coding-DNA position 2346, G replaced by A.
Protein change: p.Ala782=; no amino-acid change (alanine 782 retained).
Molecular consequence: synonymous variant. On other transcripts: intron variant (1).
Genome position (GRCh38, 1-based): chr16:72,957,800, C>T on the plus strand (G>A on the coding strand, the complement: ZFHX3 is on the minus strand). VCF-style: chr16-72957800-C-T. GRCh37 (hg19) VCF-style: chr16-72991699-C-T.
Other names: c.2346G>A, p.Ala782= (NM_001386735.1); c.-23-6835G>A (NM_001164766.2).
Identifiers: ClinVar variation 3778121 (VCV003778121.7).